The following is an entry in ClinVar:

NM_001256071.3(RNF213):c.8626C>T (p.His2876Tyr)

Gene: RNF213 (ring finger protein 213; plus strand). Cytogenetic location: 17q25.3.
Variant type: single nucleotide variant.
Coding change: c.8626C>T on transcript NM_001256071.3 (MANE Select); coding-DNA position 8626, C replaced by T.
Protein change: p.His2876Tyr; replaces histidine 2876 with tyrosine.
Molecular consequence: missense variant.
Genome position (GRCh38, 1-based): chr17:80,346,961, C>T. VCF-style: chr17-80346961-C-T. GRCh37 (hg19) VCF-style: chr17-78320761-C-T.
Other names: c.8773C>T, p.His2925Tyr (NM_001410195.1, NM_020914.5); short protein forms H2876Y, H2925Y.
Identifiers: ClinVar variation 2628471 (VCV002628471.1), dbSNP rs369984023, ClinGen allele CA8820977.

ClinVar aggregate classification (germline): Uncertain significance (1 of 4 stars; one submission).

Conditions:
RNF213-related disorder. Also called: RNF213-related condition.

Allele frequency attached by ClinVar (database versions not stated): ESP Exome Variant Server 0.00008.
gnomAD v4.1: 31 of 1,613,798 alleles (0.0019%); highest among the groups gnomAD compares: Non-Finnish European, 0.0025%; no homozygotes.

Submission:

PreventionGenetics, part of Exact Sciences
Classification: Uncertain significance for RNF213-related condition. Last evaluated: 2022-10-04. Review status: criteria provided, single submitter. Criteria: ACMG Guidelines, 2015. Collection method: clinical testing. Allele origin: germline.
Comment: The RNF213 c.8626C>T variant is predicted to result in the amino acid substitution p.His2876Tyr. To our knowledge, this variant has not been reported in the literature. This variant is reported in 0.0029% of alleles in individuals of Latino descent in gnomAD. At this time, the clinical significance of this variant is uncertain due to the absence of conclusive functional and genetic evidence.